The following is an entry in ClinVar:

NM_001374828.1(ARID1B):c.519CCA[7] (p.His179_Ala180insHis)

Genes: ARID1B (AT-rich interaction domain 1B; plus strand), LOC115308161 (uncharacterized LOC115308161; minus strand). Cytogenetic location: 6q25.3.
Variant type: Microsatellite.
Coding change: c.519CCA[7] on transcript NM_001374828.1 (MANE Select); seven copies in a row of the 3-base unit CCA starting at c.519; the reference has six copies in a row; one copy, 3 bases duplicated.
Protein change: p.His179_Ala180insHis.
Molecular consequence: inframe insertion. On other transcripts: inframe indel (3).
Genome position (GRCh38, 1-based): chr6:156,778,214-156,778,216, CCA duplicated; duplicating any 3 consecutive bases within chr6:156,778,199-156,778,216 gives the same sequence; the position shown is the placement nearest the transcript's 3' end. VCF-style (leftmost placement, unchanged base first): chr6-156778198-C-CCCA. GRCh37 (hg19) VCF-style: chr6-157099332-C-CCCA.
Other names: c.270_272CCA[7], p.His96_Ala97insHis (NM_001346813.1, NM_020732.3); c.519CCA[7], p.His179_Ala180insHis (NM_001371656.1, NM_001374820.1, NM_017519.3); c.96_98CCA[7], p.His38_Ala39insHis (NM_175863.2).
Identifiers: ClinVar variation 2179314 (VCV002179314.18), dbSNP rs754114025, ClinGen allele CA150802707.

ClinVar aggregate classification (germline): Likely benign. Review status: criteria provided, multiple submitters, no conflicts (2 of 4 stars). 2 submissions from 2 submitters: Likely benign (2). Last evaluated 2024-10-01.

Submissions (2):

CeGaT Center for Human Genetics Tuebingen
Classification: Likely benign. Last evaluated: 2024-10-01. Review status: criteria provided, single submitter. Criteria: CeGaT Center For Human Genetics Tuebingen Variant Classification Criteria Version 2. Collection method: clinical testing. Allele origin: germline. Affected: yes. Observed: 1 variant allele.
Comment: ARID1B: BS2

Labcorp Genetics (formerly Invitae), Labcorp
Classification: Likely benign. Last evaluated: 2024-04-29. Review status: criteria provided, single submitter. Criteria: Invitae Variant Classification Sherloc (09022015). Collection method: clinical testing. Allele origin: germline.